The following is an entry in ClinVar:

NM_002772.3(TMPRSS15):c.2486+1G>A

Gene: TMPRSS15 (transmembrane serine protease 15; minus strand). Cytogenetic location: 21q21.1.
Variant type: single nucleotide variant.
Coding change: c.2486+1G>A on transcript NM_002772.3 (MANE Select); the canonical splice donor site of the intron after coding-DNA position 2486, G replaced by A.
Molecular consequence: splice donor variant.
Genome position (GRCh38, 1-based): chr21:18,294,269, C>T on the plus strand (G>A on the coding strand, the complement: TMPRSS15 is on the minus strand). VCF-style: chr21-18294269-C-T. GRCh37 (hg19) VCF-style: chr21-19666586-C-T.
Identifiers: ClinVar variation 2628751 (VCV002628751.4), dbSNP rs753574461, ClinGen allele CA9984035.

ClinVar aggregate classification (germline): Likely pathogenic. Review status: criteria provided, multiple submitters, no conflicts (2 of 4 stars). 3 submissions from 3 submitters: Likely pathogenic (3). Last evaluated 2025-06-02.

Conditions:
Enterokinase deficiency. Also called: Deficiency of enteropeptidase; ENTEROPEPTIDASE DEFICIENCY; Congenital enteropathy due to enteropeptidase deficiency. Identifiers: Orphanet 168601, MedGen C0268416, MONDO:0009173, OMIM 226200.
TMPRSS15-related disorder. Also called: TMPRSS15-related condition.

Allele frequency attached by ClinVar (database versions not stated): 1000 Genomes Project 30x 0.00016; gnomAD exomes 0.00003.
gnomAD v4.1: 52 of 1,614,134 alleles (0.0032%); highest among the groups gnomAD compares: South Asian, 0.056%; 1 homozygote.

Submissions (3):

Labcorp Genetics (formerly Invitae), Labcorp
Classification: Likely pathogenic. Last evaluated: 2025-06-02. Review status: criteria provided, single submitter. Criteria: Invitae Variant Classification Sherloc (09022015). Collection method: clinical testing. Allele origin: germline.
Comment: This sequence change affects a donor splice site in intron 21 of the TMPRSS15 gene. It is expected to disrupt RNA splicing. Variants that disrupt the donor or acceptor splice site typically lead to a loss of protein function (PMID: 16199547), and loss-of-function variants in TMPRSS15 are known to be pathogenic (PMID: 11719902). This variant is present in population databases (rs753574461, gnomAD 0.03%). This variant has not been reported in the literature in individuals affected with TMPRSS15-related conditions. ClinVar contains an entry for this variant (Variation ID: 2628751). Algorithms developed to predict the effect of sequence changes on RNA splicing suggest that this variant may disrupt the consensus splice site. In summary, the currently available evidence indicates that the variant is pathogenic, but additional data are needed to prove that conclusively. Therefore, this variant has been classified as Likely Pathogenic.

PreventionGenetics, part of Exact Sciences
Classification: Likely pathogenic for TMPRSS15-related condition. Last evaluated: 2023-08-06. Review status: criteria provided, single submitter. Criteria: ACMG Guidelines, 2015. Collection method: clinical testing. Allele origin: germline.
Comment: The TMPRSS15 c.2486+1G>A variant is predicted to disrupt the GT donor site and interfere with normal splicing. To our knowledge, this variant has not been reported in the literature. This variant is reported in 0.033% of alleles in individuals of South Asian descent in gnomAD. Variants that disrupt the consensus splice donor site in TMPRSS15 are expected to be pathogenic. This variant is interpreted as likely pathogenic.

Neuberg Centre For Genomic Medicine, NCGM
Classification: Likely pathogenic for Enterokinase deficiency. Last evaluated: 2023-02-14. Review status: criteria provided, single submitter. Criteria: ACMG Guidelines, 2015. Collection method: clinical testing. Allele origin: germline. Inheritance: Autosomal recessive inheritance. Affected: yes.
Comment: The invariant splice donor c.2486+1G>A variant in TMPRSS15 gene has not been reported previously as a pathogenic variant nor a benign variant, to our knowledge. The c.2486+1G>A variant has been reported with allele frequency of 0.004% in gnomAD Exomes and is novel (not in any individuals) in 1000 Genomes. This variant has not been reported to the ClinVar database. Loss of function variants have been previously reported to be disease causing. For these reasons, this variant has been classified as Likely Pathogenic.

Literature cited by the submitters: PubMed 16199547 (cited by Labcorp Genetics (formerly Invitae), Labcorp); PubMed 11719902 (cited by Labcorp Genetics (formerly Invitae), Labcorp).